The following is an entry in ClinVar:

ClinVar aggregate classification (germline): Uncertain significance. Review status: criteria provided, multiple submitters, no conflicts (2 of 4 stars). 2 submissions from 2 submitters: Uncertain significance (2). Last evaluated 2026-05-18.

Conditions:
Inborn genetic diseases. Identifiers: MedGen C0950123, MeSH D030342.

Submissions (2):

Women's Health and Genetics/Laboratory Corporation of America, LabCorp
Classification: Uncertain significance. Last evaluated: 2026-05-18. Review status: criteria provided, single submitter. Criteria: LabCorp Variant Classification Summary - May 2015. Collection method: clinical testing. Allele origin: germline.
Comment: Variant summary: ACAN c.4113C>G (p.Asp1371Glu) results in a conservative amino acid change in the encoded protein sequence. Algorithms developed to predict the effect of missense changes on protein structure and function are either unavailable or do not agree on the potential impact of this missense change. The frequency data for this variant in gnomAD is considered unreliable, as metrics indicate poor data quality at this position. To our knowledge, no occurrence of c.4113C>G in individuals affected with ACAN-related conditions and no experimental evidence demonstrating its impact on protein function have been reported. ClinVar contains an entry for this variant (Variation ID: 3996576). Based on the evidence outlined above, the variant was classified as uncertain significance.

Ambry Genetics
Classification: Uncertain significance for Inborn genetic diseases. Last evaluated: 2025-04-14. Review status: criteria provided, single submitter. Criteria: Ambry Variant Classification Scheme 2023. Collection method: clinical testing. Allele origin: germline.

NM_001369268.1(ACAN):c.4113C>G (p.Asp1371Glu)

Gene: ACAN (aggrecan; plus strand). Cytogenetic location: 15q26.1.
Variant type: single nucleotide variant.
Coding change: c.4113C>G on transcript NM_001369268.1 (MANE Select); coding-DNA position 4113, C replaced by G.
Protein change: p.Asp1371Glu; replaces aspartic acid 1371 with glutamic acid.
Molecular consequence: missense variant.
Genome position (GRCh38, 1-based): chr15:88,856,698, C>G. VCF-style: chr15-88856698-C-G. GRCh37 (hg19) VCF-style: chr15-89399929-C-G.
Other names: c.4113C>G, p.Asp1371Glu (NM_001135.4, NM_001411096.1, NM_001411097.1 and 1 more transcripts); short protein forms D1371E.
Identifiers: ClinVar variation 3996576 (VCV003996576.2).